The following is an entry in ClinVar:

NM_000141.5(FGFR2):c.256G>A (p.Val86Met)

Gene: FGFR2 (fibroblast growth factor receptor 2; minus strand). Cytogenetic location: 10q26.13.
Variant type: single nucleotide variant.
Coding change: c.256G>A on transcript NM_000141.5 (MANE Select); coding-DNA position 256, G replaced by A.
Protein change: p.Val86Met; replaces valine 86 with methionine.
Molecular consequence: missense variant. On other transcripts: intron variant (9).
Genome position (GRCh38, 1-based): chr10:121,565,558, C>T on the plus strand (G>A on the coding strand, the complement: FGFR2 is on the minus strand). VCF-style: chr10-121565558-C-T. GRCh37 (hg19) VCF-style: chr10-123325072-C-T.
Other names: c.256G>A, p.Val86Met (NM_001144913.1, NM_001144914.1, NM_001144917.2 and 3 more transcripts); c.110-14099G>A (NM_001144918.2, NM_001441091.1, NM_001441090.1 and 1 more transcripts); c.110-979G>A (NM_001441089.1, NM_023029.3, NM_001441088.1 and 2 more transcripts); short protein forms V86M.
Identifiers: ClinVar variation 1317096 (VCV001317096.2), dbSNP rs1396687223, ClinGen allele CA378325016.

ClinVar aggregate classification (germline): Uncertain significance (1 of 4 stars; one submission).

Allele frequency attached by ClinVar (database versions not stated): TOPMed below 0.00001; gnomAD 0.00001.
gnomAD v4.1: 2 of 1,614,106 alleles (0.00012%); highest among the groups gnomAD compares: African/African-American, 0.0013%; no homozygotes.

Submission:

GeneDx
Classification: Uncertain significance. Last evaluated: 2019-06-26. Review status: criteria provided, single submitter. Criteria: GeneDx Variant Classification Process June 2021. Collection method: clinical testing. Allele origin: germline. Affected: yes.
Comment: In silico analysis, which includes protein predictors and evolutionary conservation, supports that this variant does not alter protein structure/function; Has not been previously published as pathogenic or benign to our knowledge